The following is an entry in ClinVar:

ClinVar aggregate classification (germline): Uncertain significance (1 of 4 stars; one submission).

Allele frequency attached by ClinVar (database versions not stated): gnomAD exomes below 0.00001.

Submission:

Labcorp Genetics (formerly Invitae), Labcorp
Classification: Uncertain significance. Last evaluated: 2023-08-17. Review status: criteria provided, single submitter. Criteria: Invitae Variant Classification Sherloc (09022015). Collection method: clinical testing. Allele origin: germline.
Comment: This sequence change falls in intron 8 of the ERCC6L2 gene. It does not directly change the encoded amino acid sequence of the ERCC6L2 protein. This variant is not present in population databases (gnomAD no frequency). This variant has not been reported in the literature in individuals affected with ERCC6L2-related conditions. ClinVar contains an entry for this variant (Variation ID: 2016480). Algorithms developed to predict the effect of sequence changes on RNA splicing suggest that this variant may disrupt the consensus splice site. In summary, the available evidence is currently insufficient to determine the role of this variant in disease. Therefore, it has been classified as a Variant of Uncertain Significance.

NM_020207.7(ERCC6L2):c.1414-14C>T

Gene: ERCC6L2 (ERCC excision repair 6 like 2; plus strand). Cytogenetic location: 9q22.32.
Variant type: single nucleotide variant.
Coding change: c.1414-14C>T on transcript NM_020207.7 (MANE Select); 14 bases into the intron before coding-DNA position 1414, C replaced by T.
Molecular consequence: intron variant.
Genome position (GRCh38, 1-based): chr9:95,923,246, C>T. VCF-style: chr9-95923246-C-T. GRCh37 (hg19) VCF-style: chr9-98685528-C-T.
Other names: c.1414-14C>T (NM_001375291.1, NM_001375292.1, NM_001375294.1 and 2 more transcripts).
Identifiers: ClinVar variation 2016480 (VCV002016480.4), dbSNP rs1829954809, ClinGen allele CA1865852512.
Genomic context (GRCh38, chr9:95,923,246, plus strand): 5'-ATAAATTATTTCAATTTATACAGGTTTGAATGTGTTAAGTGGAAATATCTTTTCTTCTGC[C>T]TTTTCCCTTCAAGGAAACACTTATCAAAAGGATATGTGATCAGGTATTTTCCAGATTCCC-3'